The following is an entry in ClinVar:

NM_004186.5(SEMA3F):c.606G>A (p.Pro202=)

Gene: SEMA3F (semaphorin 3F; plus strand). Cytogenetic location: 3p21.31.
Variant type: single nucleotide variant.
Coding change: c.606G>A on transcript NM_004186.5 (MANE Select); coding-DNA position 606, G replaced by A.
Protein change: p.Pro202=; no amino-acid change (proline 202 retained).
Molecular consequence: synonymous variant.
Genome position (GRCh38, 1-based): chr3:50,176,824, G>A. VCF-style: chr3-50176824-G-A. GRCh37 (hg19) VCF-style: chr3-50214257-G-A.
Other names: c.309G>A, p.Pro103= (NM_001318798.2); c.513G>A, p.Pro171= (NM_001318800.2).
Identifiers: ClinVar variation 4978929 (VCV004978929.1).
Genomic context (GRCh38, chr3:50,176,824, plus strand): 5'-ACAGGATTACATCTTCTACCTGGAGCCTGAGCGACTCGAGTCAGGGAAGGGCAAGTGTCC[G>A]TACGATCCCAAGCTGGACACAGCATCGGCCCTCATCAGTGAGTGCCCCCCAACCCCGCTC-3'
Protein context (NP_004177.3, residues 192-212): ERLESGKGKC[Pro202=]YDPKLDTASA

ClinVar aggregate classification (germline): Likely benign (1 of 4 stars; one submission).

Conditions:
SEMA3F-related disorder. Also called: SEMA3F-related condition.

gnomAD v4.1: 275 of 1,613,728 alleles (0.017%); highest among the groups gnomAD compares: South Asian, 0.28%; 1 homozygote.

Submission:

PreventionGenetics, part of Exact Sciences
Classification: Likely benign for SEMA3F-related condition. Last evaluated: 2024-10-11. Review status: criteria provided, single submitter. Criteria: ACMG Guidelines, 2015. Collection method: clinical testing. Allele origin: germline.
Comment: This variant is classified as likely benign based on ACMG/AMP sequence variant interpretation guidelines (Richards et al. 2015 PMID: 25741868, with internal and published modifications).